The following is an entry in ClinVar:

NM_015443.4(KANSL1):c.3094G>A (p.Val1032Ile)

Gene: KANSL1 (KAT8 regulatory NSL complex subunit 1). Cytogenetic location: 17q21.31.
Variant type: single nucleotide variant.
Coding change: c.3094G>A on transcript NM_015443.4 (MANE Select); coding-DNA position 3094, G replaced by A.
Protein change: p.Val1032Ile; replaces valine 1032 with isoleucine.
Molecular consequence: missense variant.
Genome position (GRCh38, 1-based): chr17:46,031,700, C>T on the plus strand (G>A on the coding strand, the complement: KANSL1 is on the minus strand). VCF-style: chr17-46031700-C-T. GRCh37 (hg19) VCF-style: chr17-44109066-C-T.
Other names: c.3091G>A, p.Val1031Ile (NM_001193465.2, NM_001405856.1, NM_001405857.1 and 1 more transcripts); c.3094G>A, p.Val1032Ile (NM_001193466.2, NM_001379198.1, NM_001405854.1 and 1 more transcripts); c.2992G>A, p.Val998Ile (NM_001405859.1, NM_001405860.1); c.2989G>A, p.Val997Ile (NM_001405861.1); c.2962G>A, p.Val988Ile (NM_001405872.1, NM_001405873.1, NM_001405874.1); c.2905G>A, p.Val969Ile (NM_001405875.1, NM_001405876.1, NM_001405877.1 and 1 more transcripts); c.2902G>A, p.Val968Ile (NM_001405879.1, NM_001405880.1); c.2857G>A, p.Val953Ile (NM_001405881.1); and 4 more; short protein forms V1031I, V1032I, V547I, V610I, V953I, V988I, V997I, V998I.
Identifiers: ClinVar variation 4743536 (VCV004743536.1).

ClinVar aggregate classification (germline): Uncertain significance (1 of 4 stars; one submission).

Conditions:
Koolen-de Vries syndrome (KDVS). Identifiers: Orphanet 96169, MedGen C1864871, MONDO:0012496, OMIM 610443.

gnomAD v4.1: 1 of 1,600,834 alleles (0.000062%); highest among the groups gnomAD compares: Non-Finnish European, 0.000085%; no homozygotes.

Submission:

Labcorp Genetics (formerly Invitae), Labcorp
Classification: Uncertain significance for Koolen-de Vries syndrome. Last evaluated: 2025-11-28. Review status: criteria provided, single submitter. Criteria: Invitae Variant Classification Sherloc (09022015). Collection method: clinical testing. Allele origin: germline.
Comment: This sequence change replaces valine, which is neutral and non-polar, with isoleucine, which is neutral and non-polar, at codon 1032 of the KANSL1 protein (p.Val1032Ile). This variant is not present in population databases (gnomAD no frequency). This variant has not been reported in the literature in individuals affected with KANSL1-related conditions. Invitae Evidence Modeling of protein sequence and biophysical properties (such as structural, functional, and spatial information, amino acid conservation, physicochemical variation, residue mobility, and thermodynamic stability) indicates that this missense variant is not expected to disrupt KANSL1 protein function with a negative predictive value of 80%. In summary, the available evidence is currently insufficient to determine the role of this variant in disease. Therefore, it has been classified as a Variant of Uncertain Significance.